The following is an entry in ClinVar:

NM_182931.3(KMT2E):c.957C>T (p.Ser319=)

Gene: KMT2E (lysine methyltransferase 2E (inactive); plus strand). Cytogenetic location: 7q22.3.
Variant type: single nucleotide variant.
Coding change: c.957C>T on transcript NM_182931.3 (MANE Select); coding-DNA position 957, C replaced by T.
Protein change: p.Ser319=; no amino-acid change (serine 319 retained).
Molecular consequence: synonymous variant.
Genome position (GRCh38, 1-based): chr7:105,077,151, C>T. VCF-style: chr7-105077151-C-T. GRCh37 (hg19) VCF-style: chr7-104717598-C-T.
Other names: c.957C>T, p.Ser319= (NM_001410908.1, NM_018682.4).
Identifiers: ClinVar variation 1701534 (VCV001701534.35), dbSNP rs755512418, ClinGen allele CA4423880.

ClinVar aggregate classification (germline): Likely benign. Review status: criteria provided, multiple submitters, no conflicts (2 of 4 stars). 3 submissions from 3 submitters: Likely benign (3). Last evaluated 2025-07-06.

Allele frequency attached by ClinVar (database versions not stated): gnomAD 0.00001 and 0.00003; gnomAD exomes 0.00004 and 0.00011; TOPMed 0.00006; ExAC 0.00011.
gnomAD v4.1: 67 of 1,613,746 alleles (0.0042%); highest among the groups gnomAD compares: Admixed American, 0.042%; no homozygotes.

Submissions (3):

Labcorp Genetics (formerly Invitae), Labcorp
Classification: Likely benign. Last evaluated: 2025-07-06. Review status: criteria provided, single submitter. Criteria: Invitae Variant Classification Sherloc (09022015). Collection method: clinical testing. Allele origin: germline.

Blueprint Genetics
Classification: Likely benign. Last evaluated: 2022-09-14. Review status: criteria provided, single submitter. Criteria: ACMG Guidelines, 2015. Collection method: clinical testing. Allele origin: germline.

CeGaT Center for Human Genetics Tuebingen
Classification: Likely benign. Last evaluated: 2022-07-01. Review status: criteria provided, single submitter. Criteria: CeGaT Center For Human Genetics Tuebingen Variant Classification Criteria Version 2. Collection method: clinical testing. Allele origin: germline. Affected: yes. Observed: 2 variant alleles.
Comment: KMT2E: BP4, BP7